The following is an entry in ClinVar:

ClinVar aggregate classification (germline): Uncertain significance (1 of 4 stars; one submission).

Allele frequency attached by ClinVar (database versions not stated): TOPMed 0.00001; ExAC 0.00002; gnomAD exomes 0.00002; gnomAD 0.00003; ESP Exome Variant Server 0.00008.
gnomAD v4.1: 37 of 1,614,086 alleles (0.0023%); highest among the groups gnomAD compares: Non-Finnish European, 0.0031%; no homozygotes.

Submission:

Labcorp Genetics (formerly Invitae), Labcorp
Classification: Uncertain significance. Last evaluated: 2022-01-04. Review status: criteria provided, single submitter. Criteria: Invitae Variant Classification Sherloc (09022015). Collection method: clinical testing. Allele origin: germline.
Comment: This sequence change replaces leucine, which is neutral and non-polar, with glutamine, which is neutral and polar, at codon 527 of the LRIT3 protein (p.Leu527Gln). This variant is present in population databases (rs144174258, gnomAD 0.004%). This variant has not been reported in the literature in individuals affected with LRIT3-related conditions. ClinVar contains an entry for this variant (Variation ID: 959308). Algorithms developed to predict the effect of missense changes on protein structure and function are either unavailable or do not agree on the potential impact of this missense change (SIFT: "Deleterious"; PolyPhen-2: "Benign"; Align-GVGD: "Class C0"). In summary, the available evidence is currently insufficient to determine the role of this variant in disease. Therefore, it has been classified as a Variant of Uncertain Significance.

NM_198506.5(LRIT3):c.1580T>A (p.Leu527Gln)

Gene: LRIT3 (leucine rich repeat, Ig-like and transmembrane domains 3; plus strand). Cytogenetic location: 4q25.
Variant type: single nucleotide variant.
Coding change: c.1580T>A on transcript NM_198506.5 (MANE Select); coding-DNA position 1580, T replaced by A.
Protein change: p.Leu527Gln; replaces leucine 527 with glutamine.
Molecular consequence: missense variant.
Genome position (GRCh38, 1-based): chr4:109,870,329, T>A. VCF-style: chr4-109870329-T-A. GRCh37 (hg19) VCF-style: chr4-110791485-T-A.
Other names: short protein forms L527Q.
Identifiers: ClinVar variation 959308 (VCV000959308.4), dbSNP rs144174258, ClinGen allele CA3043223.